The following is an entry in ClinVar:

NM_001458.5(FLNC):c.1513G>A (p.Gly505Ser)

Gene: FLNC (filamin C; plus strand). Cytogenetic location: 7q32.1.
Variant type: single nucleotide variant.
Coding change: c.1513G>A on transcript NM_001458.5 (MANE Select); coding-DNA position 1513, G replaced by A.
Protein change: p.Gly505Ser; replaces glycine 505 with serine.
Molecular consequence: missense variant.
Genome position (GRCh38, 1-based): chr7:128,840,124, G>A. VCF-style: chr7-128840124-G-A. GRCh37 (hg19) VCF-style: chr7-128480178-G-A.
Other names: c.1513G>A, p.Gly505Ser (NM_001127487.2); short protein forms G505S.
Identifiers: ClinVar variation 539417 (VCV000539417.17), dbSNP rs200935123, ClinGen allele CA4474365.

ClinVar aggregate classification (germline): Conflicting classifications of pathogenicity. Review status: criteria provided, conflicting classifications (1 of 4 stars). 5 submissions from 5 submitters: Uncertain significance (4); Likely benign (1). Last evaluated 2026-05-23.

Conditions:
Hypertrophic cardiomyopathy 26. Also called: Cardiomyopathy, familial hypertrophic, 26. Identifiers: Orphanet 75249, MedGen C4310749, MONDO:0014883, OMIM 617047.
Distal myopathy with posterior leg and anterior hand involvement. Also called: WILLIAMS DISTAL MYOPATHY. Identifiers: Orphanet 63273, MedGen C3279722, MONDO:0013550, OMIM 614065.
Myofibrillar myopathy 5. Also called: Filaminopathy (type); FILAMINOPATHY, AUTOSOMAL DOMINANT. Identifiers: Orphanet 171445, MedGen C1836050, MONDO:0012289, OMIM 609524.
FLNC-related disorder. Also called: FLNC-related disorders; FLNC-related condition.
Cardiovascular phenotype. Identifiers: MedGen CN230736.

Allele frequency attached by ClinVar (database versions not stated): ExAC 0.00001; gnomAD exomes 0.00002; gnomAD 0.00007 and 0.00008; TOPMed 0.00012; 1000 Genomes Project 30x 0.00016; 1000 Genomes Project 0.00020.
gnomAD v4.1: 32 of 1,614,076 alleles (0.002%); highest among the groups gnomAD compares: Admixed American, 0.027%; no homozygotes.

Submissions (5):

PreventionGenetics, part of Exact Sciences
Classification: Uncertain significance for FLNC-related condition. Last evaluated: 2026-05-23. Review status: criteria provided, single submitter. Criteria: ACMG Guidelines, 2015. Collection method: clinical testing. Allele origin: germline.
Comment: The FLNC c.1513G>A variant is predicted to result in the amino acid substitution p.Gly505Ser. This variant has been reported as a variant of uncertain significance in an individual with dilated cardiomyopathy (Supplementary File 2, van Lint et al. 2019. PubMed ID: 30847666). This variant is reported in 0.0065% of alleles in individuals of South Asian descent in gnomAD. At this time, the clinical significance of this variant is uncertain due to the absence of conclusive functional and genetic evidence.

Labcorp Genetics (formerly Invitae), Labcorp
Classification: Likely benign for Distal myopathy with posterior leg and anterior hand involvement; Myofibrillar myopathy 5; Hypertrophic cardiomyopathy 26. Last evaluated: 2025-12-24. Review status: criteria provided, single submitter. Criteria: Invitae Variant Classification Sherloc (09022015). Collection method: clinical testing. Allele origin: germline.

Ambry Genetics
Classification: Uncertain significance for Cardiovascular phenotype. Last evaluated: 2025-02-04. Review status: criteria provided, single submitter. Criteria: Ambry Variant Classification Scheme 2023. Collection method: clinical testing. Allele origin: germline.
Comment: The p.G505S variant (also known as c.1513G>A), located in coding exon 9 of the FLNC gene, results from a G to A substitution at nucleotide position 1513. The glycine at codon 505 is replaced by serine, an amino acid with similar properties. This variant was reported in individual(s) with features consistent with dilated cardiomyopathy; however, clinical details were limited, and additional variants in cardiac-related genes were detected (van Lint FHM et al. Neth Heart J, 2019 Jun;27:304-309). This amino acid position is highly conserved in available vertebrate species. In addition, this alteration is predicted to be deleterious by in silico analysis. Based on the available evidence, the clinical significance of this variant remains unclear.

Revvity Omics, Revvity
Classification: Uncertain significance. Last evaluated: 2021-07-07. Review status: criteria provided, single submitter. Criteria: ACMG Guidelines, 2015. Collection method: clinical testing. Allele origin: germline.

GeneDx
Classification: Uncertain significance. Last evaluated: 2019-11-08. Review status: criteria provided, single submitter. Criteria: GeneDx Variant Classification Process June 2021. Collection method: clinical testing. Allele origin: germline. Affected: yes.
Comment: Has not been previously published as pathogenic or benign to our knowledge; Reported in ClinVar as a variant of uncertain significance (ClinVar Variant ID# 539417; Landrum et al., 2016); In silico analysis, which includes protein predictors and evolutionary conservation, supports a deleterious effect

Literature cited by the submitters: PubMed 30847666 (cited by Ambry Genetics).